The following is an entry in ClinVar:

NM_001122752.2(SERPINI1):c.53G>A (p.Gly18Glu)

Gene: SERPINI1 (serpin family I member 1; plus strand). Cytogenetic location: 3q26.1.
Variant type: single nucleotide variant.
Coding change: c.53G>A on transcript NM_001122752.2 (MANE Select); coding-DNA position 53, G replaced by A.
Protein change: p.Gly18Glu; replaces glycine 18 with glutamic acid.
Molecular consequence: missense variant.
Genome position (GRCh38, 1-based): chr3:167,789,181, G>A. VCF-style: chr3-167789181-G-A. GRCh37 (hg19) VCF-style: chr3-167506969-G-A.
Other names: c.53G>A, p.Gly18Glu (NM_005025.5); short protein forms G18E.
Identifiers: ClinVar variation 3605743 (VCV003605743.2).

ClinVar aggregate classification (germline): Uncertain significance (1 of 4 stars; one submission).

Conditions:
Familial encephalopathy with neuroserpin inclusion bodies. Also called: ENCEPHALOPATHY, FAMILIAL, WITH COLLINS BODIES. Identifiers: Orphanet 85110, MedGen C1858680, MONDO:0011412, OMIM 604218.

Submission:

Labcorp Genetics (formerly Invitae), Labcorp
Classification: Uncertain significance for Familial encephalopathy with neuroserpin inclusion bodies. Last evaluated: 2024-05-29. Review status: criteria provided, single submitter. Criteria: Invitae Variant Classification Sherloc (09022015). Collection method: clinical testing. Allele origin: germline.
Comment: This sequence change replaces glycine, which is neutral and non-polar, with glutamic acid, which is acidic and polar, at codon 18 of the SERPINI1 protein (p.Gly18Glu). This variant is not present in population databases (gnomAD no frequency). This variant has not been reported in the literature in individuals affected with SERPINI1-related conditions. Advanced modeling of protein sequence and biophysical properties (such as structural, functional, and spatial information, amino acid conservation, physicochemical variation, residue mobility, and thermodynamic stability) performed at Invitae indicates that this missense variant is not expected to disrupt SERPINI1 protein function with a negative predictive value of 95%. In summary, the available evidence is currently insufficient to determine the role of this variant in disease. Therefore, it has been classified as a Variant of Uncertain Significance.